The following is an entry in ClinVar:

ClinVar aggregate classification (germline): Uncertain significance (1 of 4 stars; one submission).

Conditions:
Oligodontia-cancer predisposition syndrome. Also called: TOOTH AGENESIS-COLORECTAL CANCER SYNDROME. Identifiers: Orphanet 300576, MedGen C1837750, MONDO:0012075, OMIM 608615. Disease mechanism: loss of function.

Submission:

Labcorp Genetics (formerly Invitae), Labcorp
Classification: Uncertain significance for Oligodontia-cancer predisposition syndrome. Last evaluated: 2025-02-12. Review status: criteria provided, single submitter. Criteria: Invitae Variant Classification Sherloc (09022015). Collection method: clinical testing. Allele origin: germline.
Comment: This sequence change replaces glutamine, which is neutral and polar, with lysine, which is basic and polar, at codon 44 of the AXIN2 protein (p.Gln44Lys). This variant is not present in population databases (gnomAD no frequency). This variant has not been reported in the literature in individuals affected with AXIN2-related conditions. Invitae Evidence Modeling of protein sequence and biophysical properties (such as structural, functional, and spatial information, amino acid conservation, physicochemical variation, residue mobility, and thermodynamic stability) indicates that this missense variant is not expected to disrupt AXIN2 protein function with a negative predictive value of 80%. In summary, the available evidence is currently insufficient to determine the role of this variant in disease. Therefore, it has been classified as a Variant of Uncertain Significance.

NM_004655.4(AXIN2):c.130C>A (p.Gln44Lys)

Gene: AXIN2 (axin 2; minus strand). Cytogenetic location: 17q24.1.
Variant type: single nucleotide variant.
Coding change: c.130C>A on transcript NM_004655.4 (MANE Select); coding-DNA position 130, C replaced by A.
Protein change: p.Gln44Lys; replaces glutamine 44 with lysine.
Molecular consequence: missense variant.
Genome position (GRCh38, 1-based): chr17:65,558,491, G>T on the plus strand (C>A on the coding strand, the complement: AXIN2 is on the minus strand). VCF-style: chr17-65558491-G-T. GRCh37 (hg19) VCF-style: chr17-63554609-G-T.
Other names: c.130C>A, p.Gln44Lys (NM_001363813.1); short protein forms Q44K.
Identifiers: ClinVar variation 3677744 (VCV003677744.2).